The following is an entry in ClinVar:

NM_001048174.2(MUTYH):c.1492C>T (p.Gln498Ter)

Gene: MUTYH (mutY DNA glycosylase; minus strand). Cytogenetic location: 1p34.1.
Variant type: single nucleotide variant.
Coding change: c.1492C>T on transcript NM_001048174.2 (MANE Select); coding-DNA position 1492, C replaced by T.
Protein change: p.Gln498Ter; replaces glutamine 498 with a stop codon.
Molecular consequence: nonsense. On other transcripts: non-coding transcript variant (2).
Genome position (GRCh38, 1-based): chr1:45,329,380, G>A on the plus strand (C>T on the coding strand, the complement: MUTYH is on the minus strand). VCF-style: chr1-45329380-G-A. GRCh37 (hg19) VCF-style: chr1-45795052-G-A.
Other names: c.1492C>T, p.Gln498Ter (NM_001048171.2, NM_001048173.2, NM_001293195.2 and 6 more transcripts); c.1495C>T, p.Gln499Ter (NM_001048172.2, NM_001407071.1, NM_001407078.1 and 1 more transcripts); c.1576C>T, p.Gln526Ter (NM_001128425.2); c.1537C>T, p.Gln513Ter (NM_001293190.2); c.1525C>T, p.Gln509Ter (NM_001293191.2, NM_001407069.1, NM_001407077.1); c.1216C>T, p.Gln406Ter (NM_001293192.2, NM_001293196.2, NM_001407091.1); c.1147C>T, p.Gln383Ter (NM_001350650.2, NM_001350651.2, NM_001407082.1); c.1408C>T, p.Gln470Ter (NM_001407075.1); and 5 more; short protein forms Q484*, Q512*, Q526*, Q499*, Q513*, Q523*, Q406*, Q383*.
Identifiers: ClinVar variation 1775599 (VCV001775599.2), dbSNP rs2523741447, ClinGen allele CA340131727.

ClinVar aggregate classification (germline): Uncertain significance (1 of 4 stars; one submission).

Conditions:
Hereditary cancer-predisposing syndrome. Also called: Neoplastic Syndromes, Hereditary; Tumor predisposition; Hereditary Cancer Syndrome; Hereditary neoplastic syndrome. Identifiers: Orphanet 140162, MedGen C0027672, MeSH D009386, MONDO:0015356.

Submission:

Ambry Genetics
Classification: Uncertain significance for Hereditary cancer-predisposing syndrome. Last evaluated: 2021-01-29. Review status: criteria provided, single submitter. Criteria: Ambry Variant Classification Scheme 2023. Collection method: clinical testing. Allele origin: germline.
Comment: The p.Q526* variant (also known as c.1576C>T), located in coding exon 16 of the MUTYH gene, results from a C to T substitution at nucleotide position 1576. This changes the amino acid from a glutamine to a stop codon within coding exon 16. This alteration occurs at the 3' terminus of theMUTYH gene, is not expected to trigger nonsense-mediated mRNAdecay, and only impacts the last 24 AA of the protein. Based on internal structural analysis using published crystal structures, p.Q526* results in loss of the PCNA-binding motif; however, the exact functional effect of this alteration is unknown (Parker A et al. J Biol Chem, 2001 Feb;276:5547-55; Ambry internal data). Since supporting evidence is limited at this time, the clinical significance of this alteration remains unclear.

Literature cited by the submitters: PubMed 11092888.